The following is an entry in ClinVar:

NM_001376.5(DYNC1H1):c.8945G>A (p.Arg2982His)

Genes: DYNC1H1 (dynein cytoplasmic 1 heavy chain 1; plus strand), LOC126862060 (BRD4-independent group 4 enhancer GRCh37_chr14:102493659-102494858; plus strand). Cytogenetic location: 14q32.31.
Variant type: single nucleotide variant.
Coding change: c.8945G>A on transcript NM_001376.5 (MANE Select); coding-DNA position 8945, G replaced by A.
Protein change: p.Arg2982His; replaces arginine 2982 with histidine.
Molecular consequence: missense variant.
Genome position (GRCh38, 1-based): chr14:102,027,441, G>A. VCF-style: chr14-102027441-G-A. GRCh37 (hg19) VCF-style: chr14-102493778-G-A.
Other names: short protein forms R2982H.
Identifiers: ClinVar variation 976130 (VCV000976130.3), dbSNP rs2048463341, ClinGen allele CA391010713.

ClinVar aggregate classification (germline): Conflicting classifications of pathogenicity. Review status: criteria provided, conflicting classifications (1 of 4 stars). 2 submissions from 2 submitters: Pathogenic (1); Likely benign (1). Last evaluated 2025-11-15.

Conditions:
Cortical dysplasia, complex, with other brain malformations 13. Also called: Intellectual disability, autosomal dominant 13. Identifiers: MedGen C3281202, MONDO:0013805, OMIM 614563.
Charcot-Marie-Tooth disease axonal type 2O. Also called: CHARCOT-MARIE-TOOTH NEUROPATHY, AXONAL, TYPE 2O; CHARCOT-MARIE-TOOTH DISEASE, AXONAL, AUTOSOMAL DOMINANT, TYPE 2O; Charcot-Marie-Tooth Neuropathy Type 2O; Charcot-Marie-Tooth disease, axonal, type 20. Identifiers: Orphanet 284232, MedGen C3280220, MONDO:0013644, OMIM 614228.

Allele frequency attached by ClinVar (database versions not stated): gnomAD exomes below 0.00001.
gnomAD v4.1: 6 of 1,614,144 alleles (0.00037%); highest among the groups gnomAD compares: Non-Finnish European, 0.00051%; no homozygotes.

Submissions (2):

Labcorp Genetics (formerly Invitae), Labcorp
Classification: Pathogenic for Charcot-Marie-Tooth disease axonal type 2O. Last evaluated: 2025-11-15. Review status: criteria provided, single submitter. Criteria: Invitae Variant Classification Sherloc (09022015). Collection method: clinical testing. Allele origin: germline.
Comment: This sequence change replaces arginine, which is basic and polar, with histidine, which is basic and polar, at codon 2982 of the DYNC1H1 protein (p.Arg2982His). This variant is not present in population databases (gnomAD no frequency). This missense change has been observed in individual(s) with DYNC1H1-related conditions (PMID: 38953796). In at least one individual the variant was observed to be de novo. ClinVar contains an entry for this variant (Variation ID: 976130). Invitae Evidence Modeling of protein sequence and biophysical properties (such as structural, functional, and spatial information, amino acid conservation, physicochemical variation, residue mobility, and thermodynamic stability) indicates that this missense variant is expected to disrupt DYNC1H1 protein function with a positive predictive value of 95%. For these reasons, this variant has been classified as Pathogenic.

Institute of Human Genetics, University of Leipzig Medical Center
Classification: Likely benign for Cortical dysplasia, complex, with other brain malformations 13. Last evaluated: 2021-09-16. Review status: criteria provided, single submitter. Criteria: ACMG Guidelines, 2015. Collection method: clinical testing. Allele origin: maternal. Affected: yes.

Literature cited by the submitters: PubMed 38953796 (cited by Labcorp Genetics (formerly Invitae), Labcorp).